The following is an entry in ClinVar:

ClinVar aggregate classification (germline): Conflicting classifications of pathogenicity. Review status: criteria provided, conflicting classifications (1 of 4 stars). 2 submissions from 2 submitters: Uncertain significance (1); Likely benign (1). Last evaluated 2025-11-21.

Conditions:
Hereditary cancer-predisposing syndrome. Also called: Hereditary neoplastic syndrome; Neoplastic Syndromes, Hereditary; Hereditary Cancer Syndrome; Tumor predisposition. Identifiers: Orphanet 140162, MedGen C0027672, MeSH D009386, MONDO:0015356.
Neuroblastoma, susceptibility to, 3. Also called: ALK-Related Neuroblastic Tumor Susceptibility. Identifiers: Orphanet 635, MedGen C2751681, MONDO:0013083, OMIM 613014.

Allele frequency attached by ClinVar (database versions not stated): gnomAD 0.00001; gnomAD exomes 0.00001 and 0.00004; TOPMed 0.00001; ExAC 0.00003.
gnomAD v4.1: 22 of 1,609,276 alleles (0.0014%); highest among the groups gnomAD compares: South Asian, 0.013%; no homozygotes.

Submissions (2):

Labcorp Genetics (formerly Invitae), Labcorp
Classification: Uncertain significance for Neuroblastoma, susceptibility to, 3. Last evaluated: 2025-11-21. Review status: criteria provided, single submitter. Criteria: Invitae Variant Classification Sherloc (09022015). Collection method: clinical testing. Allele origin: germline.
Comment: This sequence change replaces lysine, which is basic and polar, with glutamic acid, which is acidic and polar, at codon 139 of the ALK protein (p.Lys139Glu). This variant is present in population databases (rs749530596, gnomAD 0.02%). This variant has not been reported in the literature in individuals affected with ALK-related conditions. ClinVar contains an entry for this variant (Variation ID: 1416958). An algorithm developed to predict the effect of missense changes on protein structure and function (PolyPhen-2) suggests that this variant is likely to be disruptive. In summary, the available evidence is currently insufficient to determine the role of this variant in disease. Therefore, it has been classified as a Variant of Uncertain Significance.

Ambry Genetics
Classification: Likely benign for Hereditary cancer-predisposing syndrome. Last evaluated: 2022-03-20. Review status: criteria provided, single submitter. Criteria: Ambry Variant Classification Scheme 2023. Collection method: clinical testing. Allele origin: germline.

NM_004304.5(ALK):c.415A>G (p.Lys139Glu)

Gene: ALK (ALK receptor tyrosine kinase; minus strand). Cytogenetic location: 2p23.1.
Variant type: single nucleotide variant.
Coding change: c.415A>G on transcript NM_004304.5 (MANE Select); coding-DNA position 415, A replaced by G.
Protein change: p.Lys139Glu; replaces lysine 139 with glutamic acid.
Molecular consequence: missense variant.
Genome position (GRCh38, 1-based): chr2:29,920,245, T>C on the plus strand (A>G on the coding strand, the complement: ALK is on the minus strand). VCF-style: chr2-29920245-T-C. GRCh37 (hg19) VCF-style: chr2-30143111-T-C.
Other names: short protein forms K139E.
Identifiers: ClinVar variation 1416958 (VCV001416958.8), dbSNP rs749530596, ClinGen allele CA1594974.